The following is an entry in ClinVar:

NM_017739.4(POMGNT1):c.1054_1055del (p.Gly352fs)

Genes: POMGNT1 (protein O-linked mannose N-acetylglucosaminyltransferase 1 (beta 1,2-); minus strand), TSPAN1 (tetraspanin 1; plus strand). Cytogenetic location: 1p34.1.
Variant type: Deletion.
Coding change: c.1054_1055del on transcript NM_017739.4 (MANE Select); coding-DNA positions 1054 to 1055, 2 bases deleted (GG; older notation c.1054_1055delGG).
Protein change: p.Gly352fs; shifts the reading frame from glycine 352.
Molecular consequence: frameshift variant.
Genome position (GRCh38, 1-based): chr1:46,193,360-46,193,361, CC deleted on the plus strand (GG on the coding strand, the reverse complement: POMGNT1 is on the minus strand). VCF-style (leftmost placement, unchanged base first): chr1-46193359-ACC-A. GRCh37 (hg19) VCF-style: chr1-46659031-ACC-A.
Other names: c.1054_1055del, p.Gly352fs (NM_001243766.2, NM_001410783.1, NM_001437653.1 and 3 more transcripts); c.988_989del, p.Gly330fs (NM_001290129.3, NM_001438691.1, NM_001438692.1); c.625_626del, p.Gly209fs (NM_001290130.2); short protein forms G209fs, G330fs, G352fs.
Identifiers: ClinVar variation 5011569 (VCV005011569.1).

ClinVar aggregate classification (germline): Pathogenic (1 of 4 stars; one submission).

Conditions:
Myopathy caused by variation in POMGNT1. Identifiers: MedGen CN305639, MONDO:0700068.

Submission:

Myriad Genetics, Inc.
Classification: Pathogenic for Myopathy caused by variation in POMGNT1. Last evaluated: 2023-09-05. Review status: criteria provided, single submitter. Criteria: Myriad Autosomal Dominant, Autosomal Recessive and X-Linked Classification Criteria (2023). Collection method: clinical testing. Allele origin: unknown.
Comment: NM_017739.3(POMGNT1):c.1054_1055delGG(G352Sfs*65) is expected to be pathogenic in the context of POMGNT1-related disorders. This variant is predicted to lead to an abnormal or absent protein product due to the creation of a premature termination codon in POMGNT1, a gene where loss-of-function variants are known to be pathogenic. Please note: this variant was assessed in the context of healthy population screening.